The following is an entry in ClinVar:

ClinVar aggregate classification (germline): Uncertain significance. Review status: criteria provided, multiple submitters, no conflicts (2 of 4 stars). 2 submissions from 2 submitters: Uncertain significance (2). Last evaluated 2025-09-14.

Conditions:
Costello syndrome (CSTLO). Also called: FCS SYNDROME; FACIOCUTANEOSKELETAL SYNDROME; HRAS-Related Costello Syndrome. Identifiers: Orphanet 3071, MedGen C0587248, MONDO:0009026, OMIM 218040.
Cardiovascular phenotype. Identifiers: MedGen CN230736.

Allele frequency attached by ClinVar (database versions not stated): gnomAD 0.00001; TOPMed 0.00001; ExAC 0.00002.
gnomAD v4.1: 5 of 1,613,302 alleles (0.00031%); highest among the groups gnomAD compares: African/African-American, 0.0067%; no homozygotes.

Submissions (2):

Labcorp Genetics (formerly Invitae), Labcorp
Classification: Uncertain significance for Costello syndrome. Last evaluated: 2025-09-14. Review status: criteria provided, single submitter. Criteria: Invitae Variant Classification Sherloc (09022015). Collection method: clinical testing. Allele origin: germline.
Comment: This sequence change falls in intron 3 of the HRAS gene. It does not directly change the encoded amino acid sequence of the HRAS protein. It affects a nucleotide within the consensus splice site. This variant is present in population databases (rs771562113, gnomAD 0.01%). This variant has not been reported in the literature in individuals affected with HRAS-related conditions. ClinVar contains an entry for this variant (Variation ID: 1797443). Variants that disrupt the consensus splice site are a relatively common cause of aberrant splicing (PMID: 17576681, 9536098). Algorithms developed to predict the effect of sequence changes on RNA splicing suggest that this variant may disrupt the consensus splice site. In summary, the available evidence is currently insufficient to determine the role of this variant in disease. Therefore, it has been classified as a Variant of Uncertain Significance.

Ambry Genetics
Classification: Uncertain significance for Cardiovascular phenotype. Last evaluated: 2021-11-05. Review status: criteria provided, single submitter. Criteria: Ambry Variant Classification Scheme 2023. Collection method: clinical testing. Allele origin: germline.
Comment: The c.290+3G>T intronic variant results from a G to T substitution 3 nucleotides after coding exon 2 in the HRAS gene. This nucleotide position is well conserved in available vertebrate species. In silico splice site analysis predicts that this alteration may result in the creation or strengthening of a novel splice donor site. Since supporting evidence is limited at this time, the clinical significance of this alteration remains unclear.

Literature cited by the submitters: PubMed 17576681 (cited by Labcorp Genetics (formerly Invitae), Labcorp); PubMed 9536098 (cited by Labcorp Genetics (formerly Invitae), Labcorp).

NM_005343.4(HRAS):c.290+3G>T

Genes: HRAS (HRas proto-oncogene, GTPase; minus strand), LRRC56 (leucine rich repeat containing 56; plus strand). Cytogenetic location: 11p15.5.
Variant type: single nucleotide variant.
Coding change: c.290+3G>T on transcript NM_005343.4 (MANE Select); 3 bases into the intron after coding-DNA position 290, G replaced by T.
Molecular consequence: intron variant.
Genome position (GRCh38, 1-based): chr11:533,763, C>A on the plus strand (G>T on the coding strand, the complement: HRAS is on the minus strand). VCF-style: chr11-533763-C-A. GRCh37 (hg19) VCF-style: chr11-533763-C-A.
Other names: c.290+3G>T (NM_001130442.3, NM_176795.5); c.-30+3G>T (NM_001318054.2).
Identifiers: ClinVar variation 1797443 (VCV001797443.7), dbSNP rs771562113, ClinGen allele CA5779375.
Genomic context (GRCh38, chr11:533,763, plus strand): 5'-GACGCAGCCGGCCTGGCCCCACCTGTGCGGCGTGGGCTCCCGGGCCAGCCTCACGGGGTT[C>A]ACCTGTACTGGTGGATGTCCTCAAAAGACTTGGTGTTGTTGATGGCAAACACACACAGGA-3'